The following is an entry in ClinVar:

ClinVar aggregate classification (germline): Likely benign (0 of 4 stars; one submission).

Conditions:
LRRC45-related disorder. Also called: LRRC45-related condition.

Submission:

PreventionGenetics, part of Exact Sciences
Classification: Likely benign for LRRC45-related condition. Last evaluated: 2024-08-06. Review status: no assertion criteria provided. Collection method: clinical testing. Allele origin: germline.
Comment: This variant is classified as likely benign based on ACMG/AMP sequence variant interpretation guidelines (Richards et al. 2015 PMID: 25741868, with internal and published modifications).

NM_144999.4(LRRC45):c.283-9C>T

Gene: LRRC45 (leucine rich repeat containing 45; plus strand). Cytogenetic location: 17q25.3.
Variant type: single nucleotide variant.
Coding change: c.283-9C>T on transcript NM_144999.4 (MANE Select); 9 bases into the intron before coding-DNA position 283, C replaced by T.
Molecular consequence: intron variant.
Genome position (GRCh38, 1-based): chr17:82,024,684, C>T. VCF-style: chr17-82024684-C-T. GRCh37 (hg19) VCF-style: chr17-79982560-C-T.
Identifiers: ClinVar variation 3352154 (VCV003352154.1).